The following is an entry in ClinVar:

ClinVar aggregate classification (germline): Uncertain significance (1 of 4 stars; one submission).

gnomAD v4.1: 2 of 1,613,878 alleles (0.00012%); highest among the groups gnomAD compares: East Asian, 0.0022%; no homozygotes.

Submission:

Labcorp Genetics (formerly Invitae), Labcorp
Classification: Uncertain significance. Last evaluated: 2024-04-09. Review status: criteria provided, single submitter. Criteria: Invitae Variant Classification Sherloc (09022015). Collection method: clinical testing. Allele origin: germline.
Comment: This sequence change replaces leucine, which is neutral and non-polar, with phenylalanine, which is neutral and non-polar, at codon 222 of the CARMIL2 protein (p.Leu222Phe). This variant is not present in population databases (gnomAD no frequency). This variant has not been reported in the literature in individuals affected with CARMIL2-related conditions. Advanced modeling of protein sequence and biophysical properties (such as structural, functional, and spatial information, amino acid conservation, physicochemical variation, residue mobility, and thermodynamic stability) performed at Invitae indicates that this missense variant is not expected to disrupt CARMIL2 protein function with a negative predictive value of 80%. In summary, the available evidence is currently insufficient to determine the role of this variant in disease. Therefore, it has been classified as a Variant of Uncertain Significance.

NM_001013838.3(CARMIL2):c.664C>T (p.Leu222Phe)

Gene: CARMIL2 (capping protein regulator and myosin 1 linker 2; plus strand). Cytogenetic location: 16q22.1.
Variant type: single nucleotide variant.
Coding change: c.664C>T on transcript NM_001013838.3 (MANE Select); coding-DNA position 664, C replaced by T.
Protein change: p.Leu222Phe; replaces leucine 222 with phenylalanine.
Molecular consequence: missense variant.
Genome position (GRCh38, 1-based): chr16:67,647,168, C>T. VCF-style: chr16-67647168-C-T. GRCh37 (hg19) VCF-style: chr16-67681071-C-T.
Other names: c.664C>T, p.Leu222Phe (NM_001317026.3); short protein forms L222F.
Identifiers: ClinVar variation 3649409 (VCV003649409.2).